The following is an entry in ClinVar:

NM_001080467.3(MYO5B):c.1429G>A (p.Glu477Lys)

Gene: MYO5B (myosin VB; minus strand). Cytogenetic location: 18q21.1.
Variant type: single nucleotide variant.
Coding change: c.1429G>A on transcript NM_001080467.3 (MANE Select); coding-DNA position 1429, G replaced by A.
Protein change: p.Glu477Lys; replaces glutamic acid 477 with lysine.
Molecular consequence: missense variant.
Genome position (GRCh38, 1-based): chr18:49,962,382, C>T on the plus strand (G>A on the coding strand, the complement: MYO5B is on the minus strand). VCF-style: chr18-49962382-C-T. GRCh37 (hg19) VCF-style: chr18-47488752-C-T.
Other names: short protein forms E477K.
Identifiers: ClinVar variation 1483664 (VCV001483664.6), dbSNP rs772877259, ClinGen allele CA8961522.

ClinVar aggregate classification (germline): Uncertain significance (1 of 4 stars; one submission).

Allele frequency attached by ClinVar (database versions not stated): ExAC 0.00001; gnomAD exomes 0.00001.

Submission:

Labcorp Genetics (formerly Invitae), Labcorp
Classification: Uncertain significance. Last evaluated: 2021-10-22. Review status: criteria provided, single submitter. Criteria: Invitae Variant Classification Sherloc (09022015). Collection method: clinical testing. Allele origin: germline.
Comment: This variant is present in population databases (rs772877259, ExAC 0.006%). In summary, the available evidence is currently insufficient to determine the role of this variant in disease. Therefore, it has been classified as a Variant of Uncertain Significance. Algorithms developed to predict the effect of missense changes on protein structure and function are either unavailable or do not agree on the potential impact of this missense change (SIFT: "Deleterious"; PolyPhen-2: "Benign"; Align-GVGD: "Class C0"). This variant has not been reported in the literature in individuals affected with MYO5B-related conditions. This sequence change replaces glutamic acid with lysine at codon 477 of the MYO5B protein (p.Glu477Lys). The glutamic acid residue is moderately conserved and there is a small physicochemical difference between glutamic acid and lysine.